The following is an entry in ClinVar:

NM_152468.5(TMC8):c.533C>A (p.Ala178Asp)

Gene: TMC8 (transmembrane channel like 8; plus strand). Cytogenetic location: 17q25.3.
Variant type: single nucleotide variant.
Coding change: c.533C>A on transcript NM_152468.5 (MANE Select); coding-DNA position 533, C replaced by A.
Protein change: p.Ala178Asp; replaces alanine 178 with aspartic acid.
Molecular consequence: missense variant.
Genome position (GRCh38, 1-based): chr17:78,133,407, C>A. VCF-style: chr17-78133407-C-A. GRCh37 (hg19) VCF-style: chr17-76129488-C-A.
Other names: short protein forms A178D.
Identifiers: ClinVar variation 642758 (VCV000642758.8), dbSNP rs138940132, ClinGen allele CA8796503.
Genomic context (GRCh38, chr17:78,133,407, plus strand): 5'-AAGCACTTGAGCAGAGCCTGGTGCTCACCCGGGCTGGGTATCTTCGTCGCTGTCCCCAGG[C>A]CTTCACCAACACCTATCTCTTCTACGGTGCGTACCGAGTGGGGCCGGAGAGCAGCTCCGT-3'
Protein context (NP_689681.2, residues 168-188): NQLWHVLTGR[Ala178Asp]FTNTYLFYGA

ClinVar aggregate classification (germline): Uncertain significance (1 of 4 stars; one submission).

Conditions:
Epidermodysplasia verruciformis. Identifiers: Orphanet 302, MedGen C0014522, MONDO:0009176.

Allele frequency attached by ClinVar (database versions not stated): gnomAD 0.00004 and 0.00005; gnomAD exomes 0.00004; TOPMed 0.00004; ExAC 0.00005.
gnomAD v4.1: 61 of 1,613,688 alleles (0.0038%); highest among the groups gnomAD compares: South Asian, 0.0088%; no homozygotes.

Submission:

Labcorp Genetics (formerly Invitae), Labcorp
Classification: Uncertain significance for Epidermodysplasia verruciformis. Last evaluated: 2021-11-30. Review status: criteria provided, single submitter. Criteria: Invitae Variant Classification Sherloc (09022015). Collection method: clinical testing. Allele origin: germline.
Comment: This sequence change replaces alanine, which is neutral and non-polar, with aspartic acid, which is acidic and polar, at codon 178 of the TMC8 protein (p.Ala178Asp). This variant is present in population databases (rs138940132, gnomAD 0.006%). This variant has not been reported in the literature in individuals affected with TMC8-related conditions. ClinVar contains an entry for this variant (Variation ID: 642758). Algorithms developed to predict the effect of missense changes on protein structure and function are either unavailable or do not agree on the potential impact of this missense change (SIFT: "Deleterious"; PolyPhen-2: "Probably Damaging"; Align-GVGD: "Class C0"). In summary, the available evidence is currently insufficient to determine the role of this variant in disease. Therefore, it has been classified as a Variant of Uncertain Significance.